The following is an entry in ClinVar:

ClinVar aggregate classification (germline): Uncertain significance (1 of 4 stars; one submission).

Conditions:
Autosomal recessive limb-girdle muscular dystrophy type 2C (LGMDR5). Also called: MUSCULAR DYSTROPHY, DUCHENNE-LIKE; MUSCULAR DYSTROPHY, LIMB-GIRDLE, AUTOSOMAL RECESSIVE 5. Identifiers: Orphanet 353, MedGen C0410173, MONDO:0009677, OMIM 253700. Disease mechanism: Affects gamma-sarcoglycan and also disrupts the integrity of the entire sarcoglycan complex..

Submission:

Labcorp Genetics (formerly Invitae), Labcorp
Classification: Uncertain significance for Autosomal recessive limb-girdle muscular dystrophy type 2C. Last evaluated: 2022-01-28. Review status: criteria provided, single submitter. Criteria: Invitae Variant Classification Sherloc (09022015). Collection method: clinical testing. Allele origin: germline.
Comment: This sequence change replaces valine, which is neutral and non-polar, with alanine, which is neutral and non-polar, at codon 248 of the SGCG protein (p.Val248Ala). This variant is not present in population databases (gnomAD no frequency). This variant has not been reported in the literature in individuals affected with SGCG-related conditions. Algorithms developed to predict the effect of missense changes on protein structure and function output the following: SIFT: "Tolerated"; PolyPhen-2: "Benign"; Align-GVGD: "Class C0". The alanine amino acid residue is found in multiple mammalian species, which suggests that this missense change does not adversely affect protein function. In summary, the available evidence is currently insufficient to determine the role of this variant in disease. Therefore, it has been classified as a Variant of Uncertain Significance.

NM_000231.3(SGCG):c.743T>C (p.Val248Ala)

Gene: SGCG (sarcoglycan gamma; plus strand). Cytogenetic location: 13q12.12.
Variant type: single nucleotide variant.
Coding change: c.743T>C on transcript NM_000231.3 (MANE Select); coding-DNA position 743, T replaced by C.
Protein change: p.Val248Ala; replaces valine 248 with alanine.
Molecular consequence: missense variant.
Genome position (GRCh38, 1-based): chr13:23,324,408, T>C. VCF-style: chr13-23324408-T-C. GRCh37 (hg19) VCF-style: chr13-23898547-T-C.
Other names: c.797T>C, p.Val266Ala (NM_001378244.1); c.743T>C, p.Val248Ala (NM_001378245.1, NM_001378246.1); short protein forms V266A, V248A.
Identifiers: ClinVar variation 2090813 (VCV002090813.4), dbSNP rs2542103041, ClinGen allele CA387503614.
Genomic context (GRCh38, chr13:23,324,408, plus strand): 5'-TCTCATCTTCTCCCAACCAGCTTGTGCTTGATGCTGAAACTGTGTGCTTACCCAAGCTGG[T>C]GCAGGGGACGTGGGGTCCCTCTGGCAGCTCACAGAGCCTCTACGAAATCTGTGTGTGTCC-3'
Protein context (NP_000222.2, residues 238-258): DAETVCLPKL[Val248Ala]QGTWGPSGSS